The following is an entry in ClinVar:

NM_006623.4(PHGDH):c.1583C>G (p.Ala528Gly)

Gene: PHGDH (phosphoglycerate dehydrogenase; plus strand). Cytogenetic location: 1p12.
Variant type: single nucleotide variant.
Coding change: c.1583C>G on transcript NM_006623.4 (MANE Select); coding-DNA position 1583, C replaced by G.
Protein change: p.Ala528Gly; replaces alanine 528 with glycine.
Molecular consequence: missense variant.
Genome position (GRCh38, 1-based): chr1:119,744,021, C>G. VCF-style: chr1-119744021-C-G. GRCh37 (hg19) VCF-style: chr1-120286644-C-G.
Other names: short protein forms A528G.
Identifiers: ClinVar variation 2000692 (VCV002000692.4), dbSNP rs141408688, ClinGen allele CA341854831.

ClinVar aggregate classification (germline): Uncertain significance (1 of 4 stars; one submission).

Conditions:
PHGDH deficiency. Identifiers: Orphanet 79351, MedGen C1866174, MONDO:0011152, OMIM 601815.

gnomAD v4.1: 1 of 1,614,174 alleles (0.000062%); no homozygotes.

Submission:

Labcorp Genetics (formerly Invitae), Labcorp
Classification: Uncertain significance for PHGDH deficiency. Last evaluated: 2023-09-13. Review status: criteria provided, single submitter. Criteria: Invitae Variant Classification Sherloc (09022015). Collection method: clinical testing. Allele origin: germline.
Comment: Advanced modeling of protein sequence and biophysical properties (such as structural, functional, and spatial information, amino acid conservation, physicochemical variation, residue mobility, and thermodynamic stability) has been performed at Invitae for this missense variant, however the output from this modeling did not meet the statistical confidence thresholds required to predict the impact of this variant on PHGDH protein function. In summary, the available evidence is currently insufficient to determine the role of this variant in disease. Therefore, it has been classified as a Variant of Uncertain Significance. ClinVar contains an entry for this variant (Variation ID: 2000692). This sequence change replaces alanine, which is neutral and non-polar, with glycine, which is neutral and non-polar, at codon 528 of the PHGDH protein (p.Ala528Gly). This variant is not present in population databases (gnomAD no frequency). This variant has not been reported in the literature in individuals affected with PHGDH-related conditions.